The following is an entry in ClinVar:

ClinVar aggregate classification (germline): Likely benign. Review status: criteria provided, multiple submitters, no conflicts (2 of 4 stars). 2 submissions from 2 submitters: Likely benign (2). Last evaluated 2025-12-01.

Allele frequency attached by ClinVar (database versions not stated): 1000 Genomes Project 30x 0.00234; 1000 Genomes Project 0.00280; TOPMed 0.00546; gnomAD 0.00600; ESP Exome Variant Server 0.00609; ExAC 0.00648; gnomAD exomes 0.00785.
gnomAD v4.1: 12,284 of 1,614,204 alleles (0.76%); highest among the groups gnomAD compares: South Asian, 0.97%; 76 homozygotes.

Submissions (2):

CeGaT Center for Human Genetics Tuebingen
Classification: Likely benign. Last evaluated: 2025-12-01. Review status: criteria provided, single submitter. Criteria: CeGaT Center For Human Genetics Tuebingen Variant Classification Criteria Version 2. Collection method: clinical testing. Allele origin: germline. Affected: yes. Observed: 6 variant alleles.
Comment: TRIM22: BP4, BP7, BS2

Mayo Clinic Laboratories, Mayo Clinic
Classification: Likely benign. Last evaluated: 2025-05-13. Review status: criteria provided, single submitter. Criteria: ACMG Guidelines, 2015. Collection method: clinical testing. Allele origin: germline. Observed: 3 variant alleles.
Comment: BS2, BP4, BP7

NM_006074.5(TRIM22):c.1203T>C (p.Tyr401=)

Gene: TRIM22 (tripartite motif containing 22; plus strand). Cytogenetic location: 11p15.4.
Variant type: single nucleotide variant.
Coding change: c.1203T>C on transcript NM_006074.5 (MANE Select); coding-DNA position 1203, T replaced by C.
Protein change: p.Tyr401=; no amino-acid change (tyrosine 401 retained).
Molecular consequence: synonymous variant.
Genome position (GRCh38, 1-based): chr11:5,709,354, T>C. VCF-style: chr11-5709354-T-C. GRCh37 (hg19) VCF-style: chr11-5730584-T-C.
Other names: p.Tyr401=; c.1191T>C, p.Tyr397= (NM_001199573.2).
Identifiers: ClinVar variation 3239023 (VCV003239023.20), dbSNP rs183243171.